The following is an entry in ClinVar:

NM_001358921.2(COQ2):c.17C>T (p.Ala6Val)

Genes: COQ2 (coenzyme Q2, polyprenyltransferase; minus strand), LOC112997540 (Sharpr-MPRA regulatory region 13773; plus strand). Cytogenetic location: 4q21.23.
Variant type: single nucleotide variant.
Coding change: c.17C>T on transcript NM_001358921.2 (MANE Select); coding-DNA position 17, C replaced by T.
Protein change: p.Ala6Val; replaces alanine 6 with valine.
Molecular consequence: missense variant.
Genome position (GRCh38, 1-based): chr4:83,284,748, G>A on the plus strand (C>T on the coding strand, the complement: COQ2 is on the minus strand). VCF-style: chr4-83284748-G-A. GRCh37 (hg19) VCF-style: chr4-84205901-G-A.
Other names: c.167C>T, p.Ala56Val (NM_015697.9); short protein forms A6V, A56V.
Identifiers: ClinVar variation 1376915 (VCV001376915.3), dbSNP rs760417058, ClinGen allele CA2988698.

ClinVar aggregate classification (germline): Uncertain significance (1 of 4 stars; one submission).

Allele frequency attached by ClinVar (database versions not stated): ExAC 0.00007.

Submission:

Labcorp Genetics (formerly Invitae), Labcorp
Classification: Uncertain significance. Last evaluated: 2021-08-22. Review status: criteria provided, single submitter. Criteria: Invitae Variant Classification Sherloc (09022015). Collection method: clinical testing. Allele origin: germline.
Comment: This sequence change replaces alanine with valine at codon 56 of the COQ2 protein (p.Ala56Val). The alanine residue is weakly conserved and there is a small physicochemical difference between alanine and valine. While this variant is present in population databases (rs760417058), the frequency information is unreliable, as metrics indicate poor data quality at this position in the ExAC database. This variant has not been reported in the literature in individuals affected with COQ2-related conditions. Algorithms developed to predict the effect of missense changes on protein structure and function (SIFT, PolyPhen-2, Align-GVGD) all suggest that this variant is likely to be tolerated. In summary, the available evidence is currently insufficient to determine the role of this variant in disease. Therefore, it has been classified as a Variant of Uncertain Significance.